The following is an entry in ClinVar:

NM_001009944.3(PKD1):c.8864A>G (p.His2955Arg)

Gene: PKD1 (polycystin 1, transient receptor potential channel interacting; minus strand). Cytogenetic location: 16p13.3.
Variant type: single nucleotide variant.
Coding change: c.8864A>G on transcript NM_001009944.3 (MANE Select); coding-DNA position 8864, A replaced by G.
Protein change: p.His2955Arg; replaces histidine 2955 with arginine.
Molecular consequence: missense variant.
Genome position (GRCh38, 1-based): chr16:2,102,898, T>C on the plus strand (A>G on the coding strand, the complement: PKD1 is on the minus strand). VCF-style: chr16-2102898-T-C. GRCh37 (hg19) VCF-style: chr16-2152899-T-C.
Other names: c.8864A>G, p.His2955Arg (NM_000296.4); short protein forms H2955R.
Identifiers: ClinVar variation 3579149 (VCV003579149.2).

ClinVar aggregate classification (germline): Uncertain significance. Review status: criteria provided, multiple submitters, no conflicts (2 of 4 stars). 2 submissions from 2 submitters: Uncertain significance (2). Last evaluated 2025-12-05.

Conditions:
PKD1-related disorder. Also called: PKD1-related condition.
Polycystic kidney disease, adult type (PKD1). Also called: Polycystic Kidney Disease 1, Autosomal Dominant; Polycystic kidney disease 1; Polycystic kidney disease 1, severe; Polycystic Kidney, Autosomal Dominant; POLYCYSTIC KIDNEY DISEASE, ADULT, TYPE I; POLYCYSTIC KIDNEY DISEASE 1 WITH OR WITHOUT POLYCYSTIC LIVER DISEASE. Identifiers: MedGen C3149841, MONDO:0008263, OMIM 173900.

gnomAD v4.1: 14 of 1,610,060 alleles (0.00087%); highest among the groups gnomAD compares: East Asian, 0.016%; no homozygotes.

Submissions (2):

PreventionGenetics, part of Exact Sciences
Classification: Uncertain significance for PKD1-related condition. Last evaluated: 2025-12-05. Review status: criteria provided, single submitter. Criteria: ACMG Guidelines, 2015. Collection method: clinical testing. Allele origin: germline.
Comment: The PKD1 c.8864A>G variant is predicted to result in the amino acid substitution p.His2955Arg. To our knowledge, this variant has not been reported in the literature. This variant is reported in 0.020% of alleles in individuals of East Asian descent in gnomAD. The p.His2955 residue is weakly conserved. The REVEL (rare exome variant ensemble learner) program predicts this variant is benign at a "strong" level (Ioannidis et al. 2016. PubMed ID: 27666373; Bergquist et al. 2024. PubMed ID: 39345488). Although we suspect that this variant may be benign, at this time, the clinical significance of this variant is uncertain due to the absence of conclusive functional and genetic evidence.

Fulgent Genetics
Classification: Uncertain significance for Polycystic kidney disease, adult type. Last evaluated: 2024-03-07. Review status: criteria provided, single submitter. Criteria: ACMG Guidelines, 2015. Collection method: clinical testing. Allele origin: germline.